The following is an entry in ClinVar:

NM_006206.6(PDGFRA):c.2003-3T>C

Gene: PDGFRA (platelet derived growth factor receptor alpha; plus strand). Cytogenetic location: 4q12.
Variant type: single nucleotide variant.
Coding change: c.2003-3T>C on transcript NM_006206.6 (MANE Select); 3 bases into the intron before coding-DNA position 2003, T replaced by C.
Molecular consequence: intron variant.
Genome position (GRCh38, 1-based): chr4:54,278,359, T>C. VCF-style: chr4-54278359-T-C. GRCh37 (hg19) VCF-style: chr4-55144526-T-C.
Other names: c.2078-3T>C (NM_001347828.2); c.2003-3T>C (NM_001347827.2, NM_001347829.2); c.2042-3T>C (NM_001347830.2).
Identifiers: ClinVar variation 459035 (VCV000459035.7), dbSNP rs748981591, ClinGen allele CA2922736.
Genomic context (GRCh38, chr4:54,278,359, plus strand): 5'-CAATTCATGGCTTTTCTGTTCTTCATTTTCATACCCATCTCCTAACGGCTTTTGTCCCCA[T>C]AGGCCCCATTTACATCATCACAGAGTATTGCTTCTATGGAGATTTGGTCAACTATTTGCA-3'

ClinVar aggregate classification (germline): Conflicting classifications of pathogenicity. Review status: criteria provided, conflicting classifications (1 of 4 stars). 2 submissions from 2 submitters: Uncertain significance (1); Benign (1). Last evaluated 2024-10-28.

Conditions:
Hereditary cancer-predisposing syndrome. Also called: Tumor predisposition; Hereditary neoplastic syndrome; Neoplastic Syndromes, Hereditary; Hereditary Cancer Syndrome. Identifiers: Orphanet 140162, MedGen C0027672, MeSH D009386, MONDO:0015356.
Gastrointestinal stromal tumor. Also called: Gastrointestinal stroma tumor; Gastrointestinal stromal tumor, somatic. Identifiers: Orphanet 44890, MedGen C0238198, MeSH D046152, MONDO:0011719, OMIM 606764, HP:0100723.

Allele frequency attached by ClinVar (database versions not stated): gnomAD exomes below 0.00001 and 0.00001; ExAC 0.00001.
gnomAD v4.1: 4 of 1,613,024 alleles (0.00025%); highest among the groups gnomAD compares: East Asian, 0.0045%; no homozygotes.

Submissions (2):

Ambry Genetics
Classification: Benign for Hereditary cancer-predisposing syndrome. Last evaluated: 2024-10-28. Review status: criteria provided, single submitter. Criteria: Ambry Variant Classification Scheme 2023. Collection method: clinical testing. Allele origin: germline.

Labcorp Genetics (formerly Invitae), Labcorp
Classification: Uncertain significance for Gastrointestinal stromal tumor. Last evaluated: 2024-10-03. Review status: criteria provided, single submitter. Criteria: Invitae Variant Classification Sherloc (09022015). Collection method: clinical testing. Allele origin: germline.
Comment: This sequence change falls in intron 14 of the PDGFRA gene. It does not directly change the encoded amino acid sequence of the PDGFRA protein. It affects a nucleotide within the consensus splice site. This variant is present in population databases (rs748981591, gnomAD 0.02%). This variant has not been reported in the literature in individuals affected with PDGFRA-related conditions. ClinVar contains an entry for this variant (Variation ID: 459035). Variants that disrupt the consensus splice site are a relatively common cause of aberrant splicing (PMID: 17576681, 9536098). Algorithms developed to predict the effect of sequence changes on RNA splicing suggest that this variant is not likely to affect RNA splicing. In summary, the available evidence is currently insufficient to determine the role of this variant in disease. Therefore, it has been classified as a Variant of Uncertain Significance.

Literature cited by the submitters: PubMed 17576681 (cited by Labcorp Genetics (formerly Invitae), Labcorp); PubMed 9536098 (cited by Labcorp Genetics (formerly Invitae), Labcorp).